The following is an entry in ClinVar:

ClinVar aggregate classification (germline): Uncertain significance (1 of 4 stars; one submission).

gnomAD v4.1: 1,475 of 1,528,458 alleles (0.097%); highest among the groups gnomAD compares: Admixed American, 0.15%; 2 homozygotes.

Submission:

Women's Health and Genetics/Laboratory Corporation of America, LabCorp
Classification: Uncertain significance. Last evaluated: 2025-07-02. Review status: criteria provided, single submitter. Criteria: LabCorp Variant Classification Summary - May 2015. Collection method: clinical testing. Allele origin: germline.
Comment: Variant summary: DCHS1 c.-15T>C is located in the untranslated mRNA region upstream of the initiation codon. The variant allele was found at a frequency of 0.00084 in 143220 control chromosomes. This frequency is not significantly higher than estimated for a pathogenic variant in DCHS1 causing DCHS1-Related Disorders, allowing no conclusion about variant significance. To our knowledge, no occurrence of c.-15T>C in individuals affected with DCHS1-Related Disorders and no experimental evidence demonstrating its impact on protein function have been reported. No submitters have cited clinical-significance assessments for this variant to ClinVar. Based on the evidence outlined above, the variant was classified as uncertain significance.

NM_003737.4(DCHS1):c.-15T>C

Gene: DCHS1 (dachsous cadherin-related 1; minus strand). Cytogenetic location: 11p15.4.
Variant type: single nucleotide variant.
Coding change: c.-15T>C on transcript NM_003737.4 (MANE Select); 15 bases upstream of the start codon, T replaced by C.
Molecular consequence: 5 prime UTR variant.
Genome position (GRCh38, 1-based): chr11:6,641,628, A>G on the plus strand (T>C on the coding strand, the complement: DCHS1 is on the minus strand). VCF-style: chr11-6641628-A-G. GRCh37 (hg19) VCF-style: chr11-6662859-A-G.
Identifiers: ClinVar variation 3911987 (VCV003911987.2).